The following is an entry in ClinVar:

ClinVar aggregate classification (germline): Uncertain significance (1 of 4 stars; one submission).

Conditions:
Autosomal recessive severe congenital neutropenia due to CSF3R deficiency. Also called: Neutropenia, severe congenital, 7, autosomal recessive. Identifiers: Orphanet 420702, MedGen C4310764, MONDO:0014865, OMIM 617014.

gnomAD v4.1: 7 of 1,614,074 alleles (0.00043%); highest among the groups gnomAD compares: African/African-American, 0.0093%; no homozygotes.

Submission:

Labcorp Genetics (formerly Invitae), Labcorp
Classification: Uncertain significance for Autosomal recessive severe congenital neutropenia due to CSF3R deficiency. Last evaluated: 2025-09-28. Review status: criteria provided, single submitter. Criteria: Invitae Variant Classification Sherloc (09022015). Collection method: clinical testing. Allele origin: germline.
Comment: This sequence change replaces proline, which is neutral and non-polar, with leucine, which is neutral and non-polar, at codon 686 of the CSF3R protein (p.Pro686Leu). This variant is present in population databases (rs764884624, gnomAD 0.01%). This variant has not been reported in the literature in individuals affected with CSF3R-related conditions. Invitae Evidence Modeling of protein sequence and biophysical properties (such as structural, functional, and spatial information, amino acid conservation, physicochemical variation, residue mobility, and thermodynamic stability) indicates that this missense variant is not expected to disrupt CSF3R protein function with a negative predictive value of 80%. In summary, the available evidence is currently insufficient to determine the role of this variant in disease. Therefore, it has been classified as a Variant of Uncertain Significance.

NM_000760.4(CSF3R):c.2057C>T (p.Pro686Leu)

Gene: CSF3R (colony stimulating factor 3 receptor; minus strand). Cytogenetic location: 1p34.3.
Variant type: single nucleotide variant.
Coding change: c.2057C>T on transcript NM_000760.4 (MANE Select); coding-DNA position 2057, C replaced by T.
Protein change: p.Pro686Leu; replaces proline 686 with leucine.
Molecular consequence: missense variant.
Genome position (GRCh38, 1-based): chr1:36,466,811, G>A on the plus strand (C>T on the coding strand, the complement: CSF3R is on the minus strand). VCF-style: chr1-36466811-G-A. GRCh37 (hg19) VCF-style: chr1-36932412-G-A.
Other names: c.2138C>T, p.Pro713Leu (NM_156039.3); c.2057C>T, p.Pro686Leu (NM_172313.3); short protein forms P686L, P713L.
Identifiers: ClinVar variation 4738842 (VCV004738842.1).